The following is an entry in ClinVar:

ClinVar aggregate classification (germline): Uncertain significance (1 of 4 stars; one submission).

Conditions:
Bloom syndrome (BLM). Also called: Bloom-Torre-Machacek syndrome. Identifiers: Orphanet 125, MedGen C0005859, MONDO:0008876, OMIM 210900.

Submission:

Labcorp Genetics (formerly Invitae), Labcorp
Classification: Uncertain significance for Bloom syndrome. Last evaluated: 2018-11-10. Review status: criteria provided, single submitter. Criteria: Invitae Variant Classification Sherloc (09022015). Collection method: clinical testing. Allele origin: germline.
Comment: In summary, the available evidence is currently insufficient to determine the role of this variant in disease. Therefore, it has been classified as a Variant of Uncertain Significance. Algorithms developed to predict the effect of missense changes on protein structure and function (SIFT, PolyPhen-2, Align-GVGD) all suggest that this variant is likely to be tolerated, but these predictions have not been confirmed by published functional studies and their clinical significance is uncertain. This variant has not been reported in the literature in individuals with BLM-related disease. This variant is not present in population databases (ExAC no frequency). This sequence change replaces proline with leucine at codon 355 of the BLM protein (p.Pro355Leu). The proline residue is weakly conserved and there is a moderate physicochemical difference between proline and leucine.

NM_000057.4(BLM):c.1064C>T (p.Pro355Leu)

Gene: BLM (BLM RecQ like helicase; plus strand). Cytogenetic location: 15q26.1.
Variant type: single nucleotide variant.
Coding change: c.1064C>T on transcript NM_000057.4 (MANE Select); coding-DNA position 1064, C replaced by T.
Protein change: p.Pro355Leu; replaces proline 355 with leucine.
Molecular consequence: missense variant. On other transcripts: 5 prime UTR variant (1).
Genome position (GRCh38, 1-based): chr15:90,754,915, C>T. VCF-style: chr15-90754915-C-T. GRCh37 (hg19) VCF-style: chr15-91298145-C-T.
Other names: c.1064C>T, p.Pro355Leu (NM_001287246.2, NM_001287247.2); c.-228C>T (NM_001287248.2); short protein forms P355L.
Identifiers: ClinVar variation 644851 (VCV000644851.9), dbSNP rs1022898915, ClinGen allele CA393842215.